The following is an entry in ClinVar:

NM_002582.4(PARN):c.178-5T>G

Gene: PARN (poly(A)-specific ribonuclease; minus strand). Cytogenetic location: 16p13.12.
Variant type: single nucleotide variant.
Coding change: c.178-5T>G on transcript NM_002582.4 (MANE Select); 5 bases into the intron before coding-DNA position 178, T replaced by G.
Molecular consequence: intron variant.
Genome position (GRCh38, 1-based): chr16:14,627,341, A>C on the plus strand (T>G on the coding strand, the complement: PARN is on the minus strand). VCF-style: chr16-14627341-A-C. GRCh37 (hg19) VCF-style: chr16-14721198-A-C.
Other names: c.-6-5T>G (NM_001134477.3); c.159-205T>G (NM_001242992.2).
Identifiers: ClinVar variation 1006023 (VCV001006023.10), dbSNP rs1972739623, ClinGen allele CA2209399925.

ClinVar aggregate classification (germline): Uncertain significance. Review status: criteria provided, multiple submitters, no conflicts (2 of 4 stars). 2 submissions from 2 submitters: Uncertain significance (2). Last evaluated 2023-02-23.

Conditions:
Dyskeratosis congenita, autosomal recessive 6 (DKCB6). Identifiers: MedGen C4225356, MONDO:0014600, OMIM 616353.
Pulmonary fibrosis and/or bone marrow failure, Telomere-related, 4. Also called: PULMONARY FIBROSIS AND/OR BONE MARROW FAILURE SYNDROME, TELOMERE-RELATED, 4. Identifiers: Orphanet 2032, MedGen C4225347, MONDO:0014612, OMIM 616371.

Submissions (2):

Labcorp Genetics (formerly Invitae), Labcorp
Classification: Uncertain significance for Dyskeratosis congenita, autosomal recessive 6; Pulmonary fibrosis and/or bone marrow failure, Telomere-related, 4. Last evaluated: 2023-02-23. Review status: criteria provided, single submitter. Criteria: Invitae Variant Classification Sherloc (09022015). Collection method: clinical testing. Allele origin: germline.
Comment: In summary, the available evidence is currently insufficient to determine the role of this variant in disease. Therefore, it has been classified as a Variant of Uncertain Significance. Algorithms developed to predict the effect of sequence changes on RNA splicing suggest that this variant may disrupt the consensus splice site. ClinVar contains an entry for this variant (Variation ID: 1006023). This variant has not been reported in the literature in individuals affected with PARN-related conditions. This variant is not present in population databases (gnomAD no frequency). This sequence change falls in intron 3 of the PARN gene. It does not directly change the encoded amino acid sequence of the PARN protein.

Blueprint Genetics
Classification: Uncertain significance. Last evaluated: 2017-12-11. Review status: criteria provided, single submitter. Criteria: ACMG Guidelines, 2015. Collection method: clinical testing. Allele origin: germline.